The following is an entry in ClinVar:

ClinVar aggregate classification (germline): Uncertain significance (1 of 4 stars; one submission).

Allele frequency attached by ClinVar (database versions not stated): gnomAD exomes 0.00001.
gnomAD v4.1: 3 of 1,614,030 alleles (0.00019%); highest among the groups gnomAD compares: Non-Finnish European, 0.00025%; no homozygotes.

Submission:

Labcorp Genetics (formerly Invitae), Labcorp
Classification: Uncertain significance. Last evaluated: 2022-06-25. Review status: criteria provided, single submitter. Criteria: Invitae Variant Classification Sherloc (09022015). Collection method: clinical testing. Allele origin: germline.
Comment: Algorithms developed to predict the effect of missense changes on protein structure and function (SIFT, PolyPhen-2, Align-GVGD) all suggest that this variant is likely to be disruptive. This sequence change replaces glutamic acid, which is acidic and polar, with lysine, which is basic and polar, at codon 598 of the CSF1R protein (p.Glu598Lys). This variant is not present in population databases (gnomAD no frequency). This variant has not been reported in the literature in individuals affected with CSF1R-related conditions. In summary, the available evidence is currently insufficient to determine the role of this variant in disease. Therefore, it has been classified as a Variant of Uncertain Significance.

NM_001288705.3(CSF1R):c.1792G>A (p.Glu598Lys)

Gene: CSF1R (colony stimulating factor 1 receptor; minus strand). Cytogenetic location: 5q32.
Variant type: single nucleotide variant.
Coding change: c.1792G>A on transcript NM_001288705.3 (MANE Select); coding-DNA position 1792, G replaced by A.
Protein change: p.Glu598Lys; replaces glutamic acid 598 with lysine.
Molecular consequence: missense variant. On other transcripts: non-coding transcript variant (2).
Genome position (GRCh38, 1-based): chr5:150,061,557, C>T on the plus strand (G>A on the coding strand, the complement: CSF1R is on the minus strand). VCF-style: chr5-150061557-C-T. GRCh37 (hg19) VCF-style: chr5-149441120-C-T.
Other names: c.1792G>A, p.Glu598Lys (NM_001349736.2, NM_001375320.1, NM_005211.4); c.1348G>A, p.Glu450Lys (NM_001375321.1); short protein forms E450K, E598K.
Identifiers: ClinVar variation 2122956 (VCV002122956.4), dbSNP rs2480977184, ClinGen allele CA361714125.